The following is an entry in ClinVar:

ClinVar aggregate classification (germline): Uncertain significance. Review status: criteria provided, single submitter (1 of 4 stars). 2 submissions from 2 submitters: Uncertain significance (1). 1 of the submissions does not count toward it. Last evaluated 2022-08-17.

Conditions:
Cohen syndrome (COH1). Also called: PEPPER SYNDROME; Cutis verticis gyrata, retinitis pigmentosa, and sensorineural deafness. Identifiers: Orphanet 193, MedGen C0265223, MONDO:0008999, OMIM 216550.
VPS13B-related disorder. Also called: VPS13B-related condition.

Allele frequency attached by ClinVar (database versions not stated): gnomAD exomes below 0.00001; gnomAD 0.00003; TOPMed 0.00003; ESP Exome Variant Server 0.00008.
gnomAD v4.1: 5 of 1,614,064 alleles (0.00031%); highest among the groups gnomAD compares: African/African-American, 0.0067%; no homozygotes.

Submissions (2):

Labcorp Genetics (formerly Invitae), Labcorp
Classification: Uncertain significance for Cohen syndrome. Last evaluated: 2022-08-17. Review status: criteria provided, single submitter. Criteria: Invitae Variant Classification Sherloc (09022015). Collection method: clinical testing. Allele origin: germline.
Comment: This sequence change replaces threonine, which is neutral and polar, with alanine, which is neutral and non-polar, at codon 400 of the VPS13B protein (p.Thr400Ala). This variant is present in population databases (rs139093635, gnomAD 0.007%). This variant has not been reported in the literature in individuals affected with VPS13B-related conditions. Algorithms developed to predict the effect of missense changes on protein structure and function are either unavailable or do not agree on the potential impact of this missense change (SIFT: "Not Available"; PolyPhen-2: "Possibly Damaging"; Align-GVGD: "Not Available"). In summary, the available evidence is currently insufficient to determine the role of this variant in disease. Therefore, it has been classified as a Variant of Uncertain Significance.

PreventionGenetics, part of Exact Sciences
Classification: Uncertain significance for VPS13B-related condition. Last evaluated: 2024-05-29. Review status: no assertion criteria provided. Collection method: clinical testing. Allele origin: germline. Not counted in ClinVar's aggregate classification.
Comment: The VPS13B c.1198A>G variant is predicted to result in the amino acid substitution p.Thr400Ala. To our knowledge, this variant has not been reported in the literature. This variant is reported in 0.0062% of alleles in individuals of African descent in gnomAD. At this time, the clinical significance of this variant is uncertain due to the absence of conclusive functional and genetic evidence.

NM_152564.5(VPS13B):c.1198A>G (p.Thr400Ala)

Gene: VPS13B (vacuolar protein sorting 13 homolog B; plus strand). Cytogenetic location: 8q22.2.
Variant type: single nucleotide variant.
Coding change: c.1198A>G on transcript NM_152564.5 (MANE Select); coding-DNA position 1198, A replaced by G.
Protein change: p.Thr400Ala; replaces threonine 400 with alanine.
Molecular consequence: missense variant. On other transcripts: non-coding transcript variant (1).
Genome position (GRCh38, 1-based): chr8:99,121,437, A>G. VCF-style: chr8-99121437-A-G. GRCh37 (hg19) VCF-style: chr8-100133665-A-G.
Other names: c.1198A>G, p.Thr400Ala (NM_181661.3, NM_015243.3, NM_017890.5); short protein forms T400A.
Identifiers: ClinVar variation 2151695 (VCV002151695.2), dbSNP rs139093635, ClinGen allele CA182886019.
Genomic context (GRCh38, chr8:99,121,437, plus strand): 5'-GCACAGACTTTGAAGGATCCTATTGTTTCTATAGGATTTTATTGCACAAAGGCAACGGTG[A>G]CTTTCAAAGTAGGTCTTTTCTCTTGCTGTTTATATCTCTATCAACTTTAATGCTTAAATT-3'
Protein context (NP_689777.3, residues 390-410): IGFYCTKATV[Thr400Ala]FKLTEMQVES